The following is an entry in ClinVar:

ClinVar aggregate classification (germline): Likely benign. Review status: criteria provided, single submitter (1 of 4 stars). 2 submissions from 2 submitters: Likely benign (1). 1 of the submissions does not count toward it. Last evaluated 2023-01-23.

Conditions:
SLC1A4-related disorder. Also called: SLC1A4-related condition.

Allele frequency attached by ClinVar (database versions not stated): TOPMed below 0.00001; gnomAD 0.00001.

Submissions (2):

Labcorp Genetics (formerly Invitae), Labcorp
Classification: Likely benign. Last evaluated: 2023-01-23. Review status: criteria provided, single submitter. Criteria: Invitae Variant Classification Sherloc (09022015). Collection method: clinical testing. Allele origin: germline.

PreventionGenetics, part of Exact Sciences
Classification: Likely benign for SLC1A4-related condition. Last evaluated: 2024-09-06. Review status: no assertion criteria provided. Collection method: clinical testing. Allele origin: germline. Not counted in ClinVar's aggregate classification.
Comment: This variant is classified as likely benign based on ACMG/AMP sequence variant interpretation guidelines (Richards et al. 2015 PMID: 25741868, with internal and published modifications).

NM_003038.5(SLC1A4):c.42T>C (p.Ala14=)

Gene: SLC1A4 (solute carrier family 1 member 4; plus strand). Cytogenetic location: 2p14.
Variant type: single nucleotide variant.
Coding change: c.42T>C on transcript NM_003038.5 (MANE Select); coding-DNA position 42, T replaced by C.
Protein change: p.Ala14=; no amino-acid change (alanine 14 retained).
Molecular consequence: synonymous variant. On other transcripts: intron variant (3).
Genome position (GRCh38, 1-based): chr2:64,989,685, T>C. VCF-style: chr2-64989685-T-C. GRCh37 (hg19) VCF-style: chr2-65216819-T-C.
Other names: c.-134+1065T>C (NM_001348406.2, NM_001193493.2); c.-134+1131T>C (NM_001348407.2); c.42T>C (NM_003038.4).
Identifiers: ClinVar variation 2781324 (VCV002781324.4), dbSNP rs1180484835, ClinGen allele CA426750891.